The following is an entry in ClinVar:

ClinVar aggregate classification (germline): Conflicting classifications of pathogenicity. Review status: criteria provided, conflicting classifications (1 of 4 stars). 3 submissions from 3 submitters: Uncertain significance (2); Likely benign (1). Last evaluated 2025-10-08.

Conditions:
Gorlin syndrome. Also called: Basal cell nevus syndrome; Nevoid Basal Cell Carcinoma Syndrome. Identifiers: Orphanet 377, MedGen C0004779, MONDO:0007187.
Medulloblastoma (MDB). Also called: Medulloblastoma, somatic; MEDULLOBLASTOMA PREDISPOSITION SYNDROME. Identifiers: Orphanet 616, MedGen C0025149, MeSH D008527, MONDO:0007959, OMIM 155255, HP:0002885.
Hereditary cancer-predisposing syndrome. Also called: Neoplastic Syndromes, Hereditary; Hereditary Cancer Syndrome; Tumor predisposition; Hereditary neoplastic syndrome. Identifiers: Orphanet 140162, MedGen C0027672, MeSH D009386, MONDO:0015356.
Familial meningioma. Also called: Meningioma, familial, susceptibility to. Identifiers: Orphanet 263662, MedGen C3551915, MONDO:0011789, OMIM 607174.

Allele frequency attached by ClinVar (database versions not stated): TOPMed below 0.00001; gnomAD exomes 0.00001 and 0.00002; ExAC 0.00002.
gnomAD v4.1: 27 of 1,613,950 alleles (0.0017%); highest among the groups gnomAD compares: Non-Finnish European, 0.0023%; no homozygotes.

Submissions (3):

Labcorp Genetics (formerly Invitae), Labcorp
Classification: Uncertain significance for Gorlin syndrome; Medulloblastoma. Last evaluated: 2025-10-08. Review status: criteria provided, single submitter. Criteria: Invitae Variant Classification Sherloc (09022015). Collection method: clinical testing. Allele origin: germline.
Comment: This sequence change replaces glutamic acid, which is acidic and polar, with glycine, which is neutral and non-polar, at codon 283 of the SUFU protein (p.Glu283Gly). This variant is present in population databases (rs763598499, gnomAD 0.002%). This variant has not been reported in the literature in individuals affected with SUFU-related conditions. ClinVar contains an entry for this variant (Variation ID: 582319). Invitae Evidence Modeling of protein sequence and biophysical properties (such as structural, functional, and spatial information, amino acid conservation, physicochemical variation, residue mobility, and thermodynamic stability) indicates that this missense variant is not expected to disrupt SUFU protein function with a negative predictive value of 80%. In summary, the available evidence is currently insufficient to determine the role of this variant in disease. Therefore, it has been classified as a Variant of Uncertain Significance.

Baylor Genetics
Classification: Uncertain significance for Familial meningioma. Last evaluated: 2024-03-05. Review status: criteria provided, single submitter. Criteria: ACMG Guidelines, 2015. Collection method: clinical testing. Allele origin: unknown.

Ambry Genetics
Classification: Likely benign for Hereditary cancer-predisposing syndrome. Last evaluated: 2024-01-17. Review status: criteria provided, single submitter. Criteria: Ambry Variant Classification Scheme 2023. Collection method: clinical testing. Allele origin: germline.

NM_016169.4(SUFU):c.848A>G (p.Glu283Gly)

Gene: SUFU (SUFU negative regulator of hedgehog signaling; plus strand). Cytogenetic location: 10q24.32.
Variant type: single nucleotide variant.
Coding change: c.848A>G on transcript NM_016169.4 (MANE Select); coding-DNA position 848, A replaced by G.
Protein change: p.Glu283Gly; replaces glutamic acid 283 with glycine.
Molecular consequence: missense variant.
Genome position (GRCh38, 1-based): chr10:102,597,231, A>G. VCF-style: chr10-102597231-A-G. GRCh37 (hg19) VCF-style: chr10-104356988-A-G.
Other names: c.848A>G, p.Glu283Gly (NM_001178133.2); short protein forms E283G.
Identifiers: ClinVar variation 582319 (VCV000582319.14), dbSNP rs763598499, ClinGen allele CA5667784.